The following is an entry in ClinVar:

NM_130839.5(UBE3A):c.1472_1476del (p.Leu490_Tyr491insTer)

Genes: SNHG14 (small nucleolar RNA host gene 14; plus strand), UBE3A (ubiquitin protein ligase E3A; minus strand). Cytogenetic location: 15q11.2.
Variant type: Microsatellite.
Coding change: c.1472_1476del on transcript NM_130839.5 (MANE Select); coding-DNA positions 1472 to 1476, 5 bases deleted (ATTAT; older notation c.1472_1476delATTAT).
Protein change: p.Leu490_Tyr491insTer.
Molecular consequence: nonsense. On other transcripts: non-coding transcript variant (1), intron variant (2).
Genome position (GRCh38, 1-based): chr15:25,370,698-25,370,702, ATAAT deleted on the plus strand (ATTAT on the coding strand, the reverse complement: UBE3A is on the minus strand); deleting any 5 consecutive bases within chr15:25,370,698-25,370,707 gives the same sequence; the c. name uses the placement nearest the transcript's 3' end. VCF-style (leftmost placement, unchanged base first): chr15-25370697-CATAAT-C. GRCh37 (hg19) VCF-style: chr15-25615844-CATAAT-C.
Other names: c.1412_1416del (NM_130838.1); c.1481_1485del, p.Leu493_Tyr494insTer (NM_000462.5); c.1472_1476del, p.Leu490_Tyr491insTer (NM_001354505.1, NM_001354538.2, NM_001354545.2); c.1412_1416del, p.Leu470_Tyr471insTer (NM_001354506.2, NM_001354507.2, NM_001354508.2 and 17 more transcripts); c.1295_1299del, p.Leu431_Tyr432insTer (NM_001354546.2); c.301+4763_301+4767del (NM_001354551.2); c.361+4763_361+4767del (NM_001354550.2); c.1481_1485delATTAT (NM_000462.3).
Identifiers: ClinVar variation 217362 (VCV000217362.13), dbSNP rs863225068, ClinGen allele CA279179.

ClinVar aggregate classification (germline): Pathogenic. Review status: criteria provided, multiple submitters, no conflicts (2 of 4 stars). 6 submissions from 6 submitters: Pathogenic (4). 2 of the submissions do not count toward it. Last evaluated 2025-11-13.

Conditions:
Angelman syndrome (AS). Also called: HAPPY PUPPET SYNDROME. Identifiers: Orphanet 72, MedGen C0162635, MONDO:0007113, OMIM 105830. Disease mechanism: loss of function. Inheritance: imprinting disorder, AS is caused by disruption of maternally imprinted UBE3A located within the 15q11.2-q13 Angelman syndrome/Prader-Willi syndrome (AS/PWS) region..
Epileptic encephalopathy. Identifiers: MedGen C0543888, HP:0200134.

Submissions (6):

Labcorp Genetics (formerly Invitae), Labcorp
Classification: Pathogenic for Angelman syndrome. Last evaluated: 2025-11-13. Review status: criteria provided, single submitter. Criteria: Invitae Variant Classification Sherloc (09022015). Collection method: clinical testing. Allele origin: germline.
Comment: This sequence change creates a premature translational stop signal (p.Tyr471*) in the UBE3A gene. It is expected to result in an absent or disrupted protein product. Loss-of-function variants in UBE3A are known to be pathogenic (PMID: 25212744). This variant is not present in population databases (gnomAD no frequency). This premature translational stop signal has been observed in individual(s) with Angelman syndrome (PMID: 14981718, 19213023). ClinVar contains an entry for this variant (Variation ID: 217362). For these reasons, this variant has been classified as Pathogenic.

GeneDx
Classification: Pathogenic. Last evaluated: 2023-03-10. Review status: criteria provided, single submitter. Criteria: GeneDx Variant Classification Process June 2021. Collection method: clinical testing. Allele origin: germline. Affected: yes.
Comment: Nonsense variant predicted to result in protein truncation or nonsense mediated decay in a gene for which loss of function is a known mechanism of disease; Not observed at significant frequency in large population cohorts (gnomAD); This variant is associated with the following publications: (PMID: 25212744, 27174604, 36011358, 31440721, 14981718)

Cytogénomique, Hospices Civils de Lyon
Classification: Pathogenic for Epileptic encephalopathy. Last evaluated: 2020-01-02. Review status: criteria provided, single submitter. Criteria: ACMG Guidelines, 2015. Collection method: clinical testing. Allele origin: de novo. Inheritance: Autosomal dominant inheritance. Affected: yes. Observed: 1 variant allele, 1 heterozygote.

Equipe Genetique des Anomalies du Developpement, Université de Bourgogne
Classification: Pathogenic for Angelman syndrome. Last evaluated: 2016-01-01. Review status: criteria provided, single submitter. Criteria: ACMG Guidelines, 2015. Collection method: clinical testing. Allele origin: de novo. Affected: yes.

Centre de Biologie Pathologie Génétique, Centre Hospitalier Universitaire de Lille
Classification: Pathogenic for Angelman syndrome. Last evaluated: 2019-01-01. Review status: no assertion criteria provided. Collection method: clinical testing. Allele origin: de novo. Affected: yes. Not counted in ClinVar's aggregate classification.

Genomic Diagnostic Laboratory, Division of Genomic Diagnostics, Children's Hospital of Philadelphia
Classification: Pathogenic. Last evaluated: 2015-03-06. Review status: no assertion criteria provided. Collection method: clinical testing. Allele origin: germline. Not counted in ClinVar's aggregate classification.

Literature cited by the submitters: PubMed 25212744 (cited by Labcorp Genetics (formerly Invitae), Labcorp); PubMed 14981718 (cited by Labcorp Genetics (formerly Invitae), Labcorp); PubMed 19213023 (cited by Labcorp Genetics (formerly Invitae), Labcorp).